The following is an entry in ClinVar:

ClinVar aggregate classification (germline): Uncertain significance (1 of 4 stars; one submission).

Submission:

Ambry Genetics
Classification: Uncertain significance. Last evaluated: 2024-07-21. Review status: criteria provided, single submitter. Criteria: Ambry Variant Classification Scheme 2023. Collection method: clinical testing. Allele origin: germline.
Comment: The p.C1725G variant (also known as c.5173T>G), located in coding exon 45 of the KIF1B gene, results from a T to G substitution at nucleotide position 5173. The cysteine at codon 1725 is replaced by glycine, an amino acid with highly dissimilar properties. This amino acid position is conserved. In addition, the in silico prediction for this alteration is inconclusive. Since supporting evidence is limited at this time, the clinical significance of this alteration remains unclear.

NM_001365951.3(KIF1B):c.5311T>G (p.Cys1771Gly)

Gene: KIF1B (kinesin family member 1B; plus strand). Cytogenetic location: 1p36.22.
Variant type: single nucleotide variant.
Coding change: c.5311T>G on transcript NM_001365951.3 (MANE Select); coding-DNA position 5311, T replaced by G.
Protein change: p.Cys1771Gly; replaces cysteine 1771 with glycine.
Molecular consequence: missense variant.
Genome position (GRCh38, 1-based): chr1:10,375,276, T>G. VCF-style: chr1-10375276-T-G. GRCh37 (hg19) VCF-style: chr1-10435334-T-G.
Other names: c.5311T>G, p.Cys1771Gly (NM_001365952.1); c.5173T>G, p.Cys1725Gly (NM_015074.3); short protein forms C1771G, C1725G.
Identifiers: ClinVar variation 1745813 (VCV001745813.3), dbSNP rs1239071144, ClinGen allele CA338331699.
Genomic context (GRCh38, chr1:10,375,276, plus strand): 5'-CTGTAGTAACTTTCTTGTCTACCTGCATTTTTCTTTCAGACACCAAACACCTTTGCTGTC[T>G]GCACAAAGCACCGTGGGGTCCTTTTGCAGGCCCTCAATGACAAAGACATGAACGACTGGT-3'
Protein context (NP_001352880.1, residues 1761-1781): MVKTPNTFAV[Cys1771Gly]TKHRGVLLQA